The following is an entry in ClinVar:

ClinVar aggregate classification (germline): Likely pathogenic (1 of 4 stars; one submission).

Submission:

Harry Perkins Institute Of Medical Research, University Of Western Australia
Classification: Likely pathogenic. Review status: criteria provided, single submitter. Criteria: ACMG Guidelines, 2015. Collection method: research. Allele origin: paternal. Inheritance: Autosomal dominant inheritance. Affected: yes. Observed: 2 variant alleles, 1 mosaic individual.
Comment: Structural variant absent from gnomAD. PMID: 35951140 (2022)- TTN as a candidate gene for distal arthrogryposis type 10 pathogenesis; PMID: 17103435 (2006)- reported a 5-generation Utah family in which multiple individuals were affected with plantar flexion contractures in an autosomal dominant pattern of inheritance

Literature cited by the submitters: PubMed 17103435; PubMed 35951140.

Single allele

Genes: TTN (titin; minus strand), LOC126806428 (BRD4-independent group 4 enhancer GRCh37_chr2:179588362-179589561; plus strand), LOC126806429 (BRD4-independent group 4 enhancer GRCh37_chr2:179591393-179592592; plus strand), LOC126806430 (BRD4-independent group 4 enhancer GRCh37_chr2:179593794-179594993; plus strand), LOC126806431 (CDK7 strongly-dependent group 2 enhancer GRCh37_chr2:179595719-179596918; plus strand) and 1 more. Cytogenetic location: 2q31.2.
Variant type: Deletion.
Identifiers: ClinVar variation 4857660 (VCV004857660.1).